The following is an entry in ClinVar:

NM_005548.3(KARS1):c.904C>T (p.Leu302Phe)

Gene: KARS1 (lysyl-tRNA synthetase 1; minus strand). Cytogenetic location: 16q23.1.
Variant type: single nucleotide variant.
Coding change: c.904C>T on transcript NM_005548.3 (MANE Select); coding-DNA position 904, C replaced by T.
Protein change: p.Leu302Phe; replaces leucine 302 with phenylalanine.
Molecular consequence: missense variant.
Genome position (GRCh38, 1-based): chr16:75,634,184, G>A on the plus strand (C>T on the coding strand, the complement: KARS1 is on the minus strand). VCF-style: chr16-75634184-G-A. GRCh37 (hg19) VCF-style: chr16-75668082-G-A.
Other names: c.988C>T, p.Leu330Phe (NM_001130089.2); c.436C>T, p.Leu146Phe (NM_001378148.1); short protein forms L330F, L302F, L146F.
Identifiers: ClinVar variation 426540 (VCV000426540.3), dbSNP rs1085307674, ClinGen allele CA396812371.

ClinVar aggregate classification (germline): Likely pathogenic (1 of 4 stars; one submission).

Submission:

GeneDx
Classification: Likely pathogenic. Last evaluated: 2026-08-19. Review status: criteria provided, single submitter. Criteria: GeneDx Variant Classification Process June 2021. Collection method: clinical testing. Allele origin: germline.
Comment: Not observed at significant frequency in large population cohorts (gnomAD); In silico analysis supports that this missense variant has a deleterious effect on protein structure/function; Reported with a pathogenic or likely pathogenic variant on the opposite allele (in trans) in a patient with clinical features of KARS1-related disorder in the published literature (PMID: 34172899); This variant is associated with the following publications: (PMID: 34172899)